The following is an entry in ClinVar:

NM_001065.4(TNFRSF1A):c.125G>C (p.Ser42Thr)

Gene: TNFRSF1A (TNF receptor superfamily member 1A; minus strand). Cytogenetic location: 12p13.31.
Variant type: single nucleotide variant.
Coding change: c.125G>C on transcript NM_001065.4 (MANE Select); coding-DNA position 125, G replaced by C.
Protein change: p.Ser42Thr; replaces serine 42 with threonine.
Molecular consequence: missense variant. On other transcripts: 5 prime UTR variant (1), non-coding transcript variant (1), intron variant (1).
Genome position (GRCh38, 1-based): chr12:6,334,159, C>G on the plus strand (G>C on the coding strand, the complement: TNFRSF1A is on the minus strand). VCF-style: chr12-6334159-C-G. GRCh37 (hg19) VCF-style: chr12-6443325-C-G.
Other names: c.-453G>C (NM_001346092.2); c.-131-294G>C (NM_001346091.2); short protein forms S42T.
Identifiers: ClinVar variation 2112109 (VCV002112109.4), dbSNP rs200140274, ClinGen allele CA232330910.

ClinVar aggregate classification (germline): Uncertain significance (1 of 4 stars; one submission).

Conditions:
TNF receptor-associated periodic fever syndrome (TRAPS) (FPF). Also called: FAMILIAL HIBERNIAN FEVER; TNF RECEPTOR-ASSOCIATED PERIODIC SYNDROME; TUMOR NECROSIS FACTOR RECEPTOR-ASSOCIATED PERIODIC SYNDROME; TNF receptor 1-associated periodic fever syndrome; Autosomal Dominant Familial Periodic Fever; TNF Receptor-Associated Periodic Fever Syndrome. Identifiers: Orphanet 32960, MedGen C1275126, MONDO:0007727, OMIM 142680.

Allele frequency attached by ClinVar (database versions not stated): gnomAD 0.00001.
gnomAD v4.1: 1 of 1,614,048 alleles (0.000062%); highest among the groups gnomAD compares: African/African-American, 0.0013%; no homozygotes.

Submission:

Labcorp Genetics (formerly Invitae), Labcorp
Classification: Uncertain significance for TNF receptor-associated periodic fever syndrome (TRAPS). Last evaluated: 2022-10-05. Review status: criteria provided, single submitter. Criteria: Invitae Variant Classification Sherloc (09022015). Collection method: clinical testing. Allele origin: germline.
Comment: This variant has not been reported in the literature in individuals affected with TNFRSF1A-related conditions. This variant is not present in population databases (gnomAD no frequency). This sequence change replaces serine, which is neutral and polar, with threonine, which is neutral and polar, at codon 42 of the TNFRSF1A protein (p.Ser42Thr). Algorithms developed to predict the effect of missense changes on protein structure and function output the following: SIFT: "Tolerated"; PolyPhen-2: "Benign"; Align-GVGD: "Class C0". The threonine amino acid residue is found in multiple mammalian species, which suggests that this missense change does not adversely affect protein function. In summary, the available evidence is currently insufficient to determine the role of this variant in disease. Therefore, it has been classified as a Variant of Uncertain Significance.